The following is an entry in ClinVar:

NC_000012.11:g.(?_52708415)_(52761189_?)dup

Genes: KRT83 (keratin 83; minus strand), KRT85 (keratin 85; minus strand). Cytogenetic location: 12q13.13.
Variant type: Duplication.
Identifiers: ClinVar variation 2424383 (VCV002424383.4).

ClinVar aggregate classification (germline): Uncertain significance (1 of 4 stars; one submission).

Submission:

Labcorp Genetics (formerly Invitae), Labcorp
Classification: Uncertain significance. Last evaluated: 2023-12-04. Review status: criteria provided, single submitter. Criteria: Invitae Variant Classification Sherloc (09022015). Collection method: clinical testing. Allele origin: germline.
Comment: A copy number gain of the genomic region encompassing the full coding sequence of the KRT83 gene has been identified. The boundaries of this event are unknown as they extend beyond the assayed region for this gene and therefore may encompass additional genes. As the precise location of this event is unknown, it may be in tandem or it may be located elsewhere in the genome. This variant has not been reported in the literature in individuals affected with KRT83-related conditions. In summary, the available evidence is currently insufficient to determine the role of this variant in disease. Therefore, it has been classified as a Variant of Uncertain Significance.